The following is an entry in ClinVar:

NM_000032.5(ALAS2):c.1385T>C (p.Met462Thr)

Gene: ALAS2 (5'-aminolevulinate synthase 2; minus strand). Cytogenetic location: Xp11.21.
Variant type: single nucleotide variant.
Coding change: c.1385T>C on transcript NM_000032.5 (MANE Select); coding-DNA position 1385, T replaced by C.
Protein change: p.Met462Thr; replaces methionine 462 with threonine.
Molecular consequence: missense variant.
Genome position (GRCh38, 1-based): chrX:55,014,799, A>G on the plus strand (T>C on the coding strand, the complement: ALAS2 is on the minus strand). VCF-style: chrX-55014799-A-G. GRCh37 (hg19) VCF-style: chrX-55041232-A-G.
Other names: c.1274T>C, p.Met425Thr (NM_001037967.4); c.1346T>C, p.Met449Thr (NM_001037968.4); short protein forms M425T, M449T, M462T.
Identifiers: ClinVar variation 3776402 (VCV003776402.1).

ClinVar aggregate classification (germline): Uncertain significance (1 of 4 stars; one submission).

Submission:

GeneDx
Classification: Uncertain significance. Last evaluated: 2024-10-03. Review status: criteria provided, single submitter. Criteria: GeneDx Variant Classification Process June 2021. Collection method: clinical testing. Allele origin: germline. Affected: yes.
Comment: Not observed at significant frequency in large population cohorts (gnomAD); In silico analysis supports that this missense variant has a deleterious effect on protein structure/function; Has not been previously published as pathogenic or benign to our knowledge